The following is an entry in ClinVar:

ClinVar aggregate classification (germline): Benign/Likely benign. Review status: criteria provided, multiple submitters, no conflicts (2 of 4 stars). 10 submissions from 10 submitters: Benign (6); Likely benign (3). 1 of the submissions does not count toward it. Last evaluated 2025-06-04.

Conditions:
Autosomal dominant polycystic kidney disease. Identifiers: Orphanet 730, MedGen C0085413, MONDO:0004691.
Polycystic kidney disease, adult type (PKD1). Also called: Polycystic Kidney, Autosomal Dominant; Polycystic Kidney Disease 1, Autosomal Dominant; Polycystic kidney disease 1; Polycystic kidney disease 1, severe; POLYCYSTIC KIDNEY DISEASE 1 WITH OR WITHOUT POLYCYSTIC LIVER DISEASE; POLYCYSTIC KIDNEY DISEASE, ADULT, TYPE I. Identifiers: MedGen C3149841, MONDO:0008263, OMIM 173900.
Polycystic kidney disease. Also called: Polycystic kidney dysplasia; Kidney, Polycystic. Identifiers: MedGen C0022680, MeSH D007690, MONDO:0020642, HP:0000113.

Allele frequency attached by ClinVar (database versions not stated): gnomAD exomes 0.01235; ExAC 0.01526; 1000 Genomes Project 0.05072; gnomAD 0.05219 and 0.05636; ESP Exome Variant Server 0.05319; TOPMed 0.05370; 1000 Genomes Project 30x 0.05481.
gnomAD v4.1: 14,033 of 1,594,798 alleles (0.88%); highest among the groups gnomAD compares: African/African-American, 17%; 1,046 homozygotes.

Submissions (10):

Women's Health and Genetics/Laboratory Corporation of America, LabCorp
Classification: Likely benign. Last evaluated: 2025-06-04. Review status: criteria provided, single submitter. Criteria: LabCorp Variant Classification Summary - May 2015. Collection method: clinical testing. Allele origin: germline.

Blueprint Genetics
Classification: Benign. Last evaluated: 2024-11-26. Review status: criteria provided, single submitter. Criteria: ACMG Guidelines, 2015. Collection method: clinical testing. Allele origin: germline.

Mayo Clinic Laboratories, Mayo Clinic
Classification: Benign. Last evaluated: 2022-11-16. Review status: criteria provided, single submitter. Criteria: ACMG Guidelines, 2015. Collection method: clinical testing. Allele origin: germline. Observed: 35 variant alleles.
Comment: BA1, BP4

ARUP Laboratories, Molecular Genetics and Genomics, ARUP Laboratories
Classification: Benign for Polycystic kidney disease, adult type. Last evaluated: 2019-12-17. Review status: criteria provided, single submitter. Criteria: ARUP Molecular Germline Variant Investigation Process. Collection method: clinical testing. Allele origin: germline.

GeneDx
Classification: Benign. Last evaluated: 2019-10-11. Review status: criteria provided, single submitter. Criteria: GeneDx Variant Classification Process June 2021. Collection method: clinical testing. Allele origin: germline. Affected: yes.
Comment: This variant is associated with the following publications: (PMID: 11115377, 27499327, 22008521, 27894351, 27884173, 11216660, 20981092)

Molecular Genetics of Inherited Kidney Disorders Laboratory, Garvan Institute of Medical Research
Classification: Likely benign for Autosomal dominant polycystic kidney disease. Last evaluated: 2019-01-01. Review status: criteria provided, single submitter. Criteria: ACMG Guidelines, 2015. Collection method: research. Allele origin: germline. Affected: yes.

Athena Diagnostics
Classification: Benign. Last evaluated: 2017-10-23. Review status: criteria provided, single submitter. Criteria: Athena Diagnostics Criteria. Collection method: clinical testing. Allele origin: germline.

Breakthrough Genomics
Classification: Likely benign. Review status: criteria provided, single submitter. Criteria: ACMG Guidelines, 2015. Collection method: not provided. Allele origin: germline. Inheritance: Autosomal dominant inheritance. Affected: yes.

PreventionGenetics, part of Exact Sciences
Classification: Benign. Review status: criteria provided, single submitter. Criteria: ACMG Guidelines, 2015. Collection method: clinical testing. Allele origin: germline.

Department of Pathology and Laboratory Medicine, Sinai Health System
Classification: Benign for Polycystic Kidney disease. Review status: no assertion criteria provided. Collection method: clinical testing. Allele origin: unknown. Affected: yes. Study: The Canadian Open Genetics Repository (COGR). Not counted in ClinVar's aggregate classification.
Comment: The PKD1 p.Glu2966Asp variant was identified in 3 of 548 proband chromosomes (frequency: 0.005) as a polymorphism from individuals or families with ADPKD, but it was not identified in 442 control chromosomes from healthy individuals (Bataille 2011, Rossetti 2001, Garcia-Gonzalez 2007). In addition the PKD1 p.Glu2966Asp variant was reported co-occurring with 2 pathogenic PKD1 variants (1470A>G, Y420C and 4262C>T, R1351W) in a proband (Garcia-Gonzalez_2007). The variant was identified in dbSNP (ID: rs13337123) as â€šÃ„ÃºWith Benign alleleâ€šÃ„Ã¹, Clinvitae (as benign), ClinVar (as benign by PreventionGenetics), MutDB, ADPKD Mutation Database (as likely neutral), and PKD1-LOVD 3.0 (unclassified). This variant was also identified in the 1000 Genomes Project in 254 of 5008 chromosomes (frequency: 0.0507) the NHLBI GO Exome Sequencing Project in 4 of 8584 European American alleles (freq: 0.0004) and in 686 of 4388 African American alleles (freq: 0.156), the genome Aggregation Database (beta, October 19th 2016) in 3345 (258 homozygous) of 250832 chromosomes (freq. 0.013), the Exome Aggregation Consortium database (August 8th 2016) in 1829 (149 homozygous) of 119830 chromosomes (freq. 0.015) in the following populations: African in 1716 of 10204 chromosomes (freq. 0.17), Latino in 82 of 11540 chromosomes (freq. 0.007), other in 5 of 888 chromosomes (freq. 0.0056), South Asian in 6 of 16504 chromosomes (freq. 0.00036), and European in 20 of 65458 chromosomes (freq. 0.00030), but was not seen in East Asian and Finnish populations. The variant was identified by our laboratory in 2 individuals with ADPKD with a co-occurring pathogenic PKD1 variant (c.3489delC, p.Phe1163Leufsx8 and c.2494dupC, p.Arg832ProfsX40), increasing the likelihood that the p.Glu2966Asp variant does not have clinical significance. The PKD1 p.Glu2966Asp variant was not identified in GeneInsight COGR , PKD1-LOVD and HAPMAP databases. The variant occurs outside of the splicing consensus sequence and 1 of 5 in silico or computational prediction software programs (SpliceSiteFinder, MaxEntScan, NNSPLICE, GeneSplicer, HumanSpliceFinder) predict a greater than 10% difference in splicing; this is not very predictive of pathogenicity. The p.Glu2966 residue is not conserved in mammals and other organism, and four out of five computational analyses (PolyPhen-2, SIFT, AlignGVGD, BLOSUM, MutationTaster) do not suggest a high likelihood of impact to the protein; however, this information is not predictive enough to rule out pathogenicity. In summary, based on the above information, this variant meets our laboratory criteria to be classified as benign.

Literature cited by the submitters: PubMed 11216660 (cited by Athena Diagnostics); PubMed 20981092 (cited by Athena Diagnostics); PubMed 27884173 (cited by Athena Diagnostics); PubMed 11115377 (cited by Athena Diagnostics); PubMed 27894351 (cited by Athena Diagnostics).

NM_001009944.3(PKD1):c.8898G>C (p.Glu2966Asp)

Gene: PKD1 (polycystin 1, transient receptor potential channel interacting; minus strand). Cytogenetic location: 16p13.3.
Variant type: single nucleotide variant.
Coding change: c.8898G>C on transcript NM_001009944.3 (MANE Select); coding-DNA position 8898, G replaced by C.
Protein change: p.Glu2966Asp; replaces glutamic acid 2966 with aspartic acid.
Molecular consequence: missense variant.
Genome position (GRCh38, 1-based): chr16:2,102,864, C>G on the plus strand (G>C on the coding strand, the complement: PKD1 is on the minus strand). VCF-style: chr16-2102864-C-G. GRCh37 (hg19) VCF-style: chr16-2152865-C-G.
Other names: c.8898G>C, p.Glu2966Asp (NM_000296.4); short protein forms E2966D.
Identifiers: ClinVar variation 257030 (VCV000257030.20), dbSNP rs13337123, ClinGen allele CA7830314.